The following is an entry in ClinVar:

NM_018979.4(WNK1):c.4442G>A (p.Gly1481Asp)

Gene: WNK1 (WNK lysine deficient protein kinase 1; plus strand). Cytogenetic location: 12p13.33.
Variant type: single nucleotide variant.
Coding change: c.4442G>A on transcript NM_018979.4 (MANE Select); coding-DNA position 4442, G replaced by A.
Protein change: p.Gly1481Asp; replaces glycine 1481 with aspartic acid.
Molecular consequence: missense variant.
Genome position (GRCh38, 1-based): chr12:885,246, G>A. VCF-style: chr12-885246-G-A. GRCh37 (hg19) VCF-style: chr12-994412-G-A.
Other names: c.5222G>A, p.Gly1741Asp (NM_001184985.2); c.3701G>A, p.Gly1234Asp (NM_014823.3); c.5198G>A, p.Gly1733Asp (NM_213655.5); short protein forms G1733D, G1741D, G1234D, G1481D.
Identifiers: ClinVar variation 1745952 (VCV001745952.2), dbSNP rs2549045355, ClinGen allele CA383331237.
Genomic context (GRCh38, chr12:885,246, plus strand): 5'-GGGGCAGTACTGCTACCCCAGGTCCTAAGCCTCCAGCTGTAGTATCTCAGCAGGCAGCAG[G>A]CAGCACTACTGTGGGAGCCACATTAACATCAGTTTCTACCACCACTTCATTCCCAAGCAC-3'
Protein context (NP_061852.3, residues 1471-1491): PPAVVSQQAA[Gly1481Asp]STTVGATLTS

ClinVar aggregate classification (germline): Uncertain significance (1 of 4 stars; one submission).

Conditions:
Inborn genetic diseases. Identifiers: MedGen C0950123, MeSH D030342.

Submission:

Ambry Genetics
Classification: Uncertain significance for Inborn genetic diseases. Last evaluated: 2020-03-17. Review status: criteria provided, single submitter. Criteria: Ambry Variant Classification Scheme 2023. Collection method: clinical testing. Allele origin: germline.
Comment: The p.G1733D variant (also known as c.5198G>A), located in coding exon 19 of the WNK1 gene, results from a G to A substitution at nucleotide position 5198. The glycine at codon 1733 is replaced by aspartic acid, an amino acid with similar properties. This amino acid position is not well conserved in available vertebrate species. In addition, this variant is predicted to be tolerated by in silico analysis. Since supporting evidence is conflicting at this time, the clinical significance of this variant remains unclear.